The following is an entry in ClinVar:

NM_001982.4(ERBB3):c.3823G>A (p.Asp1275Asn)

Gene: ERBB3 (erb-b2 receptor tyrosine kinase 3; plus strand). Cytogenetic location: 12q13.2.
Variant type: single nucleotide variant.
Coding change: c.3823G>A on transcript NM_001982.4 (MANE Select); coding-DNA position 3823, G replaced by A.
Protein change: p.Asp1275Asn; replaces aspartic acid 1275 with asparagine.
Molecular consequence: missense variant.
Genome position (GRCh38, 1-based): chr12:56,101,849, G>A. VCF-style: chr12-56101849-G-A. GRCh37 (hg19) VCF-style: chr12-56495633-G-A.
Other names: short protein forms D1275N.
Identifiers: ClinVar variation 4874534 (VCV004874534.2).
Genomic context (GRCh38, chr12:56,101,849, plus strand): 5'-ACTCCAGATGAAGACTATGAATATATGAATCGGCAACGAGATGGAGGTGGTCCTGGGGGT[G>A]ATTATGCAGCCATGGGGGCCTGCCCAGCATCTGAGCAAGGGTATGAAGAGATGAGAGCTT-3'
Protein context (NP_001973.2, residues 1265-1285): RQRDGGGPGG[Asp1275Asn]YAAMGACPAS

ClinVar aggregate classification (germline): Uncertain significance (1 of 4 stars; one submission).

Submission:

CeGaT Center for Human Genetics Tuebingen
Classification: Uncertain significance. Last evaluated: 2026-04-01. Review status: criteria provided, single submitter. Criteria: CeGaT Center For Human Genetics Tuebingen Variant Classification Criteria Version 2. Collection method: clinical testing. Allele origin: germline. Affected: yes. Observed: 1 variant allele.
Comment: ERBB3: PM2, PP2